The following is an entry in ClinVar:

NM_001083962.2(TCF4):c.511A>G (p.Lys171Glu)

Gene: TCF4 (transcription factor 4; minus strand). Cytogenetic location: 18q21.2.
Variant type: single nucleotide variant.
Coding change: c.511A>G on transcript NM_001083962.2 (MANE Select); coding-DNA position 511, A replaced by G.
Protein change: p.Lys171Glu; replaces lysine 171 with glutamic acid.
Molecular consequence: missense variant.
Genome position (GRCh38, 1-based): chr18:55,350,397, T>C on the plus strand (A>G on the coding strand, the complement: TCF4 is on the minus strand). VCF-style: chr18-55350397-T-C. GRCh37 (hg19) VCF-style: chr18-53017628-T-C.
Other names: c.817A>G, p.Lys273Glu (NM_001243226.3); c.439A>G, p.Lys147Glu (NM_001243227.2, NM_001306207.1, NM_001369575.1 and 9 more transcripts); c.511A>G, p.Lys171Glu (NM_001243228.2, NM_001330604.3, NM_001369572.1 and 5 more transcripts); c.505A>G, p.Lys169Glu (NM_001243230.2); c.385A>G, p.Lys129Glu (NM_001243231.2, NM_001348211.2); c.298A>G, p.Lys100Glu (NM_001243232.1, NM_001306208.1); c.121A>G, p.Lys41Glu (NM_001243233.2, NM_001330605.3, NM_001348212.2 and 1 more transcripts); c.508A>G, p.Lys170Glu (NM_001369573.1, NM_001369569.1, NM_001369570.1); and 1 more; short protein forms K147E, K169E, K41E, K100E, K146E, K170E, K273E, K129E.
Identifiers: ClinVar variation 4746364 (VCV004746364.1).

ClinVar aggregate classification (germline): Uncertain significance (1 of 4 stars; one submission).

Conditions:
Pitt-Hopkins syndrome (PTHS). Also called: ENCEPHALOPATHY, SEVERE EPILEPTIC, WITH AUTONOMIC DYSFUNCTION; MENTAL RETARDATION, SYNDROMAL, WITH INTERMITTENT HYPERVENTILATION. Identifiers: Orphanet 2896, MedGen C1970431, MONDO:0012589, OMIM 610954.

Submission:

Labcorp Genetics (formerly Invitae), Labcorp
Classification: Uncertain significance for Pitt-Hopkins syndrome. Last evaluated: 2025-05-07. Review status: criteria provided, single submitter. Criteria: Invitae Variant Classification Sherloc (09022015). Collection method: clinical testing. Allele origin: germline.
Comment: This sequence change replaces lysine, which is basic and polar, with glutamic acid, which is acidic and polar, at codon 171 of the TCF4 protein (p.Lys171Glu). This variant is not present in population databases (gnomAD no frequency). This variant has not been reported in the literature in individuals affected with TCF4-related conditions. Invitae Evidence Modeling of protein sequence and biophysical properties (such as structural, functional, and spatial information, amino acid conservation, physicochemical variation, residue mobility, and thermodynamic stability) indicates that this missense variant is not expected to disrupt TCF4 protein function with a negative predictive value of 95%. In summary, the available evidence is currently insufficient to determine the role of this variant in disease. Therefore, it has been classified as a Variant of Uncertain Significance.